The following is an entry in ClinVar:

NM_054027.6(ANKH):c.97-13del

Gene: ANKH (ANKH inorganic pyrophosphate transport regulator; minus strand). Cytogenetic location: 5p15.2.
Variant type: Deletion.
Coding change: c.97-13del on transcript NM_054027.6 (MANE Select); 13 bases into the intron before coding-DNA position 97, one base deleted (T; older notation c.97-13delT).
Molecular consequence: intron variant.
Genome position (GRCh38, 1-based): chr5:14,769,204, A deleted on the plus strand (T on the coding strand, the reverse complement: ANKH is on the minus strand); the first of 7 consecutive A bases (chr5:14,769,204-14,769,210); deleting any one gives the same sequence. VCF-style (leftmost placement, unchanged base first): chr5-14769203-GA-G. GRCh37 (hg19) VCF-style: chr5-14769312-GA-G.
Identifiers: ClinVar variation 1214220 (VCV001214220.12), dbSNP rs765631807, ClinGen allele CA3209206.
Genomic context (GRCh38, chr5:14,769,203, plus strand): 5'-GCATCTCGACTGCATCCTCCTTGACAGCAGCAATGCCCCGGTTCAAGGCCTGGGAAGGGG[GA>G]AAAAAACCCACAAGCATTAGAAATGTCATCTCTTCTCTGGGGAATCATACCTCTAAGATG-3'

ClinVar aggregate classification (germline): Benign/Likely benign. Review status: criteria provided, multiple submitters, no conflicts (2 of 4 stars). 3 submissions from 3 submitters: Benign (2); Likely benign (1). Last evaluated 2025-03-25.

Conditions:
Craniometaphyseal dysplasia, autosomal dominant (CMDD). Identifiers: Orphanet 1522, MedGen C1852502, MONDO:0007397, OMIM 123000.

Submissions (3):

Labcorp Genetics (formerly Invitae), Labcorp
Classification: Benign. Last evaluated: 2025-03-25. Review status: criteria provided, single submitter. Criteria: Invitae Variant Classification Sherloc (09022015). Collection method: clinical testing. Allele origin: germline.

GeneDx
Classification: Likely benign. Last evaluated: 2023-04-04. Review status: criteria provided, single submitter. Criteria: GeneDx Variant Classification Process June 2021. Collection method: clinical testing. Allele origin: germline. Affected: yes.
Comment: See Variant Classification Assertion Criteria.

Genome-Nilou Lab
Classification: Benign for Craniometaphyseal dysplasia, autosomal dominant. Last evaluated: 2021-12-05. Review status: criteria provided, single submitter. Criteria: ACMG Guidelines, 2015. Collection method: clinical testing. Allele origin: germline. Affected: no.